The following is an entry in ClinVar:

ClinVar aggregate classification (germline): Uncertain significance. Review status: criteria provided, multiple submitters, no conflicts (2 of 4 stars). 2 submissions from 2 submitters: Uncertain significance (2). Last evaluated 2024-01-22.

Conditions:
Congenital contractural arachnodactyly (CCA). Also called: Beals-Hecht syndrome; Arthrogryposis, distal, type 9; BEALS SYNDROME. Identifiers: Orphanet 115, MedGen C0220668, MONDO:0007363, OMIM 121050.

Submissions (2):

GeneDx
Classification: Uncertain significance. Last evaluated: 2024-01-22. Review status: criteria provided, single submitter. Criteria: GeneDx Variant Classification Process June 2021. Collection method: clinical testing. Allele origin: germline. Affected: yes.
Comment: Not observed at significant frequency in large population cohorts (gnomAD); In silico analysis supports that this missense variant has a deleterious effect on protein structure/function; Although located in a calcium-binding EGF-like domain of the FBN2 gene, it does not substitute or introduce a cysteine residue (PMID: 19006240, 18767143); Has not been previously published as pathogenic or benign to our knowledge; This variant is associated with the following publications: (PMID: 19006240, 18767143)

Labcorp Genetics (formerly Invitae), Labcorp
Classification: Uncertain significance for Congenital contractural arachnodactyly. Last evaluated: 2020-08-20. Review status: criteria provided, single submitter. Criteria: Invitae Variant Classification Sherloc (09022015). Collection method: clinical testing. Allele origin: germline.
Comment: Algorithms developed to predict the effect of missense changes on protein structure and function (SIFT, PolyPhen-2, Align-GVGD) all suggest that this variant is likely to be disruptive, but these predictions have not been confirmed by published functional studies and their clinical significance is uncertain. This sequence change replaces glycine with serine at codon 2731 of the FBN2 protein (p.Gly2731Ser). The glycine residue is highly conserved and there is a small physicochemical difference between glycine and serine. This variant is not present in population databases (ExAC no frequency). This variant has not been reported in the literature in individuals with FBN2-related conditions. In summary, the available evidence is currently insufficient to determine the role of this variant in disease. Therefore, it has been classified as a Variant of Uncertain Significance.

NM_001999.4(FBN2):c.8191G>A (p.Gly2731Ser)

Gene: FBN2 (fibrillin 2; minus strand). Cytogenetic location: 5q23.3.
Variant type: single nucleotide variant.
Coding change: c.8191G>A on transcript NM_001999.4 (MANE Select); coding-DNA position 8191, G replaced by A.
Protein change: p.Gly2731Ser; replaces glycine 2731 with serine.
Molecular consequence: missense variant.
Genome position (GRCh38, 1-based): chr5:128,263,426, C>T on the plus strand (G>A on the coding strand, the complement: FBN2 is on the minus strand). VCF-style: chr5-128263426-C-T. GRCh37 (hg19) VCF-style: chr5-127599118-C-T.
Other names: c.8191G>A (NM_001999.3); short protein forms G2731S.
Identifiers: ClinVar variation 1006853 (VCV001006853.10), dbSNP rs1765029329, ClinGen allele CA360748314.